The following is an entry in ClinVar:

NM_000455.5(STK11):c.497A>T (p.Tyr166Phe)

Gene: STK11 (serine/threonine kinase 11; plus strand). Cytogenetic location: 19p13.3.
Variant type: single nucleotide variant.
Coding change: c.497A>T on transcript NM_000455.5 (MANE Select); coding-DNA position 497, A replaced by T.
Protein change: p.Tyr166Phe; replaces tyrosine 166 with phenylalanine.
Molecular consequence: missense variant. On other transcripts: non-coding transcript variant (1).
Genome position (GRCh38, 1-based): chr19:1,220,405, A>T. VCF-style: chr19-1220405-A-T. GRCh37 (hg19) VCF-style: chr19-1220404-A-T.
Other names: c.497A>T, p.Tyr166Phe (NM_001407255.1); short protein forms Y166F.
Identifiers: ClinVar variation 4176619 (VCV004176619.1).

ClinVar aggregate classification (germline): Uncertain significance (1 of 4 stars; one submission).

Conditions:
Hereditary cancer-predisposing syndrome. Also called: Neoplastic Syndromes, Hereditary; Tumor predisposition; Hereditary Cancer Syndrome; Hereditary neoplastic syndrome. Identifiers: Orphanet 140162, MedGen C0027672, MeSH D009386, MONDO:0015356.

Submission:

Ambry Genetics
Classification: Uncertain significance for Hereditary cancer-predisposing syndrome. Last evaluated: 2025-09-08. Review status: criteria provided, single submitter. Criteria: Ambry Variant Classification Scheme 2023. Collection method: clinical testing. Allele origin: germline.
Comment: The p.Y166F variant (also known as c.497A>T), located in coding exon 4 of the STK11 gene, results from an A to T substitution at nucleotide position 497. The tyrosine at codon 166 is replaced by phenylalanine, an amino acid with highly similar properties. This amino acid position is highly conserved in available vertebrate species. In addition, the in silico prediction for this alteration is inconclusive. Based on the available evidence, the clinical significance of this variant remains unclear.